The following is an entry in ClinVar:

NM_001371596.2(MFSD8):c.416G>A (p.Arg139His)

Gene: MFSD8 (major facilitator superfamily domain containing 8; minus strand). Cytogenetic location: 4q28.2.
Variant type: single nucleotide variant.
Coding change: c.416G>A on transcript NM_001371596.2 (MANE Select); coding-DNA position 416, G replaced by A.
Protein change: p.Arg139His; replaces arginine 139 with histidine.
Molecular consequence: missense variant.
Genome position (GRCh38, 1-based): chr4:127,943,775, C>T on the plus strand (G>A on the coding strand, the complement: MFSD8 is on the minus strand). VCF-style: chr4-127943775-C-T. GRCh37 (hg19) VCF-style: chr4-128864930-C-T.
Other names: c.416G>A, p.Arg139His (NM_001363520.3, NM_001363521.3, NM_001371591.2 and 5 more transcripts); c.281G>A, p.Arg94His (NM_001371590.2, NM_001371595.1, NM_001410765.1); c.416G>A (NM_152778.3); short protein forms R139H, R94H.
Identifiers: ClinVar variation 431131 (VCV000431131.14), dbSNP rs749704755, ClinGen allele CA3077486.

ClinVar aggregate classification (germline): Conflicting classifications of pathogenicity. Review status: criteria provided, conflicting classifications (1 of 4 stars). 7 submissions from 7 submitters: Pathogenic (2); Likely pathogenic (4); Uncertain significance (1). Last evaluated 2025-10-16.

Conditions:
Late-infantile neuronal ceroid lipofuscinosis. Also called: Jansky-Bielschowsky disease. Identifiers: MedGen C0022340, MONDO:0015674.
Neuronal ceroid lipofuscinosis. Also called: Neuronal Ceroid Lipofuscinoses. Identifiers: Orphanet 216, Orphanet 79263, MedGen C0027877, MONDO:0016295. Disease mechanism: loss of function.
MFSD8-related disorders.
Macular dystrophy with central cone involvement (CCMD). Identifiers: MedGen C4015371, MONDO:0014515, OMIM 616170.
Neuronal ceroid lipofuscinosis 7 (CLN7). Also called: MFSD8-Related Neuronal Ceroid-Lipofuscinosis. Identifiers: Orphanet 168491, Orphanet 228366, MedGen C1838571, MONDO:0012588, OMIM 610951.

Allele frequency attached by ClinVar (database versions not stated): gnomAD 0.00001.
gnomAD v4.1: 22 of 1,613,976 alleles (0.0014%); highest among the groups gnomAD compares: South Asian, 0.0033%; no homozygotes.

Submissions (7):

Natera, Inc.
Classification: Likely pathogenic for Late-infantile neuronal ceroid lipofuscinosis. Last evaluated: 2025-10-16. Review status: criteria provided, single submitter. Criteria: Natera Variant Classification Schema (03/2026). Collection method: clinical testing. Allele origin: germline.
Comment: The c.416G>A variant in MFSD8 is a missense variant predicted to cause substitution of arginine to histidine at amino acid 139. This variant is rare in the general population with a frequency below the threshold expected for the associated phenotype(s). This variant has been observed in one or more individuals affected with the associated recessive disease, as either homozygous or compound heterozygous with a second variant (PMID: 36801247, 19201763, 28708303). Computational prediction algorithms indicate this variant is likely to affect gene or protein function. Given the available evidence, this variant is classified as Likely Pathogenic.

Fulgent Genetics
Classification: Likely pathogenic for Neuronal ceroid lipofuscinosis 7; Macular dystrophy with central cone involvement. Last evaluated: 2024-04-15. Review status: criteria provided, single submitter. Criteria: ACMG Guidelines, 2015. Collection method: clinical testing. Allele origin: germline.

Labcorp Genetics (formerly Invitae), Labcorp
Classification: Uncertain significance for Neuronal ceroid lipofuscinosis 7. Last evaluated: 2022-07-06. Review status: criteria provided, single submitter. Criteria: Invitae Variant Classification Sherloc (09022015). Collection method: clinical testing. Allele origin: germline.
Comment: This sequence change replaces arginine, which is basic and polar, with histidine, which is basic and polar, at codon 139 of the MFSD8 protein (p.Arg139His). This variant is present in population databases (rs749704755, gnomAD 0.0009%). This missense change has been observed in individual(s) with clinical features of MFSD8-related conditions (PMID: 19201763, 28708303). ClinVar contains an entry for this variant (Variation ID: 431131). Algorithms developed to predict the effect of missense changes on protein structure and function are either unavailable or do not agree on the potential impact of this missense change (SIFT: "Deleterious"; PolyPhen-2: "Probably Damaging"; Align-GVGD: "Class C0"). In summary, the available evidence is currently insufficient to determine the role of this variant in disease. Therefore, it has been classified as a Variant of Uncertain Significance.

Blueprint Genetics
Classification: Pathogenic for MFSD8-related disorders. Last evaluated: 2022-07-01. Review status: criteria provided, single submitter. Criteria: ACMG Guidelines, 2015. Collection method: clinical testing. Allele origin: germline. Affected: yes. Observed: 3 variant alleles.

Women's Health and Genetics/Laboratory Corporation of America, LabCorp
Classification: Likely pathogenic for Neuronal ceroid lipofuscinosis. Last evaluated: 2022-03-10. Review status: criteria provided, single submitter. Criteria: LabCorp Variant Classification Summary - May 2015. Collection method: clinical testing. Allele origin: germline.
Comment: Variant summary: MFSD8 c.416G>A (p.Arg139His) results in a non-conservative amino acid change located in the Major facilitator superfamily domain (IPR020846) of the encoded protein sequence. Five of five in-silico tools predict a damaging effect of the variant on protein function. The variant allele was found at a frequency of 4e-06 in 251244 control chromosomes (gnomAD). c.416G>A has been reported in the literature in homozygous and compound heterozygous individuals affected with Neuronal Ceroid-Lipofuscinosis (Batten Disease) (examples: Kousi_2009, Cherot_2017, Jilani_2019). These data indicate that the variant is likely to be associated with disease. To our knowledge, no experimental evidence demonstrating an impact on protein function has been reported. One clinical diagnostic laboratory has submitted clinical-significance assessments for this variant to ClinVar after 2014 and classified the variant as pathogenic. Based on the evidence outlined above, the variant was classified as likely pathogenic.

Groupe Hospitalier Pitie Salpetriere, Uf Genomique Du Developpement, Assistance Publique Hopitaux de Paris Sorbonne Université
Classification: Pathogenic for Ceroid lipofuscinosis, neuronal, 7. Last evaluated: 2017-01-06. Review status: criteria provided, single submitter. Criteria: ACMG Guidelines, 2015. Collection method: clinical testing. Allele origin: paternal. Affected: yes. Observed: 1 variant allele.
Comment: peripheric neuropathy; global cerebral atrophy; epilepsy (myoclonia).

Neuberg Centre For Genomic Medicine, NCGM
Classification: Likely pathogenic for Neuronal ceroid lipofuscinosis 7. Review status: criteria provided, single submitter. Criteria: ACMG Guidelines, 2015. Collection method: clinical testing. Allele origin: germline. Affected: yes.
Comment: The MFSD8 c.416G>A(p.Arg139His) variant has been reported in homozygous state in individuals affected with neuronal ceroid lipofuscinoses (NCLs) (Kousi, Maria, et al). This variant is reported with the allele frequency (0.0003980%) in the gnomad and novel in 1000 genome database. It has been submitted to ClinVar as Pathogenic. The amino acid Arg at position 139 is changed to a His changing protein sequence and it might alter its composition and physicochemical properties. The variant is predicted to be damaging by both SIFT and PolyPhen2. The residue is conserved across species. The amino acid change p.Arg139His in MFSD8 is predicted as conserved by GERP++ and PhyloP across 100 vertebrates. For these reasons, this variant has been classified as Likely Pathogenic.

Literature cited by the submitters: PubMed 36801247 (cited by Natera, Inc.); PubMed 19201763 (cited by 3 submitters); PubMed 28708303 (cited by 4 submitters); PubMed 31741823 (cited by Women's Health and Genetics/Laboratory Corporation of America, LabCorp).